The following is an entry in ClinVar:

ClinVar aggregate classification (germline): Likely benign. Review status: criteria provided, multiple submitters, no conflicts (2 of 4 stars). 2 submissions from 2 submitters: Likely benign (2). Last evaluated 2025-03-31.

Allele frequency attached by ClinVar (database versions not stated): ExAC 0.00001; gnomAD exomes 0.00002 and 0.00005; TOPMed 0.00003; gnomAD 0.00005; ESP Exome Variant Server 0.00009.

Submissions (2):

Labcorp Genetics (formerly Invitae), Labcorp
Classification: Likely benign. Last evaluated: 2025-03-31. Review status: criteria provided, single submitter. Criteria: Invitae Variant Classification Sherloc (09022015). Collection method: clinical testing. Allele origin: germline.

GeneDx
Classification: Likely benign. Last evaluated: 2017-08-17. Review status: criteria provided, single submitter. Criteria: GeneDx Variant Classification (06012015). Collection method: clinical testing. Allele origin: germline. Affected: yes.
Comment: This variant is considered likely benign or benign based on one or more of the following criteria: it is a conservative change, it occurs at a poorly conserved position in the protein, it is predicted to be benign by multiple in silico algorithms, and/or has population frequency not consistent with disease.

NM_004541.4(NDUFA1):c.102+17C>T

Genes: NDUFA1 (NADH:ubiquinone oxidoreductase subunit A1; plus strand), LOC130068621 (ATAC-STARR-seq lymphoblastoid active region 29902; plus strand). Cytogenetic location: Xq24.
Variant type: single nucleotide variant.
Coding change: c.102+17C>T on transcript NM_004541.4 (MANE Select); 17 bases into the intron after coding-DNA position 102, C replaced by T.
Molecular consequence: intron variant.
Genome position (GRCh38, 1-based): chrX:119,872,030, C>T. VCF-style: chrX-119872030-C-T. GRCh37 (hg19) VCF-style: chrX-119005993-C-T.
Identifiers: ClinVar variation 511289 (VCV000511289.9), dbSNP rs369519484, ClinGen allele CA10503538.